The following is an entry in ClinVar:

ClinVar aggregate classification (germline): Uncertain significance. Review status: criteria provided, multiple submitters, no conflicts (2 of 4 stars). 3 submissions from 3 submitters: Uncertain significance (3). Last evaluated 2024-12-03.

Conditions:
Bronchiectasis with or without elevated sweat chloride 3 (BESC3). Identifiers: Orphanet 60033, MedGen C2751324, MONDO:0013112, OMIM 613071.
Liddle syndrome 2. Identifiers: MedGen C4748251, MONDO:0020854, OMIM 618114.
Pseudohypoaldosteronism, type IB3, autosomal recessive (PHA1B3). Identifiers: MedGen C5774256, MONDO:0859318, OMIM 620126.

Allele frequency attached by ClinVar (database versions not stated): gnomAD exomes below 0.00001.

Submissions (3):

GeneDx
Classification: Uncertain significance. Last evaluated: 2024-12-03. Review status: criteria provided, single submitter. Criteria: GeneDx Variant Classification Process June 2021. Collection method: clinical testing. Allele origin: germline. Affected: yes.
Comment: Not observed at significant frequency in large population cohorts (gnomAD); In silico analysis supports that this missense variant has a deleterious effect on protein structure/function; This variant is associated with the following publications: (PMID: 29204651)

Fulgent Genetics
Classification: Uncertain significance for Bronchiectasis with or without elevated sweat chloride 3; Liddle syndrome 2; Pseudohypoaldosteronism, type IB3, autosomal recessive. Last evaluated: 2024-06-20. Review status: criteria provided, single submitter. Criteria: ACMG Guidelines, 2015. Collection method: clinical testing. Allele origin: germline.

Labcorp Genetics (formerly Invitae), Labcorp
Classification: Uncertain significance. Last evaluated: 2023-10-18. Review status: criteria provided, single submitter. Criteria: Invitae Variant Classification Sherloc (09022015). Collection method: clinical testing. Allele origin: germline.
Comment: This sequence change replaces proline, which is neutral and non-polar, with arginine, which is basic and polar, at codon 625 of the SCNN1G protein (p.Pro625Arg). This variant is not present in population databases (gnomAD no frequency). This missense change has been observed in individual(s) with clinical features of Liddle syndrome (PMID: 29204651). ClinVar contains an entry for this variant (Variation ID: 1304028). An algorithm developed to predict the effect of missense changes on protein structure and function (PolyPhen-2) suggests that this variant is likely to be disruptive. In summary, the available evidence is currently insufficient to determine the role of this variant in disease. Therefore, it has been classified as a Variant of Uncertain Significance.

Literature cited by the submitters: PubMed 29204651 (cited by Labcorp Genetics (formerly Invitae), Labcorp).

NM_001039.4(SCNN1G):c.1874C>G (p.Pro625Arg)

Gene: SCNN1G (sodium channel epithelial 1 subunit gamma; plus strand). Cytogenetic location: 16p12.2.
Variant type: single nucleotide variant.
Coding change: c.1874C>G on transcript NM_001039.4 (MANE Select); coding-DNA position 1874, C replaced by G.
Protein change: p.Pro625Arg; replaces proline 625 with arginine.
Molecular consequence: missense variant.
Genome position (GRCh38, 1-based): chr16:23,215,393, C>G. VCF-style: chr16-23215393-C-G. GRCh37 (hg19) VCF-style: chr16-23226714-C-G.
Other names: short protein forms P625R.
Identifiers: ClinVar variation 1304028 (VCV001304028.7), dbSNP rs1960144557, ClinGen allele CA395103982.
Genomic context (GRCh38, chr16:23,215,393, plus strand): 5'-TCAACTCTGCTTTGCACCTGCCTCCAGCCCTAGGAACCCAAGTGCCCGGCACACCGCCCC[C>G]CAAATACAATACCTTGCGCTTGGAGAGGGCCTTTTCCAACCAGCTCACAGATACCCAGAT-3'
Protein context (NP_001030.2, residues 615-635): LGTQVPGTPP[Pro625Arg]KYNTLRLERA